The following is an entry in ClinVar:

NM_001845.6(COL4A1):c.2594A>G (p.Gln865Arg)

Gene: COL4A1 (collagen type IV alpha 1 chain; minus strand). Cytogenetic location: 13q34.
Variant type: single nucleotide variant.
Coding change: c.2594A>G on transcript NM_001845.6 (MANE Select); coding-DNA position 2594, A replaced by G.
Protein change: p.Gln865Arg; replaces glutamine 865 with arginine.
Molecular consequence: missense variant.
Genome position (GRCh38, 1-based): chr13:110,178,096, T>C on the plus strand (A>G on the coding strand, the complement: COL4A1 is on the minus strand). VCF-style: chr13-110178096-T-C. GRCh37 (hg19) VCF-style: chr13-110830443-T-C.
Other names: short protein forms Q865R.
Identifiers: ClinVar variation 880784 (VCV000880784.8), dbSNP rs776874008, ClinGen allele CA7047546.

ClinVar aggregate classification (germline): Uncertain significance. Review status: criteria provided, multiple submitters, no conflicts (2 of 4 stars). 4 submissions from 3 submitters: Uncertain significance (4). Last evaluated 2026-05-20.

Conditions:
Autosomal dominant familial hematuria-retinal arteriolar tortuosity-contractures syndrome. Also called: Hereditary Angiopathy with Nephropathy, Aneurysms, and Muscle Cramps (HANAC) Syndrome; Angiopathy, hereditary, with nephropathy, aneurysms, and muscle cramps. Identifiers: Orphanet 73229, MedGen C2673195, MONDO:0012726, OMIM 611773.
Retinal arterial tortuosity. Also called: RETINAL HEMORRHAGE WITH VASCULAR TORTUOSITY; Retinal arteries, tortuosity of. Identifiers: Orphanet 75326, MedGen C0423401, MONDO:0008373, OMIM 180000, HP:0000631.
Hemorrhage, intracerebral, susceptibility to (ICH). Also called: Stroke, hemorrhagic, susceptibility to. Identifiers: MedGen C3281105, MONDO:0100533, OMIM 614519.
Microangiopathy and leukoencephalopathy, pontine, autosomal dominant. Also called: Pontine autosomal dominant microangiopathy with leukoencephalopathy; DEMENTIA, HEREDITARY MULTI-INFARCT, SWEDISH TYPE. Identifiers: Orphanet 477749, MedGen C5231411, MONDO:0032814, OMIM 618564.
Brain small vessel disease 1 with or without ocular anomalies (BSVD1). Also called: BRAIN SMALL VESSEL DISEASE WITH HEMORRHAGE; GOULD SYNDROME 1; PORENCEPHALY, TYPE 1, AUTOSOMAL DOMINANT; Brain small vessel disease with or without ocular anomalies. Identifiers: Orphanet 2940, Orphanet 36383, Orphanet 99810, MedGen C4755307, MONDO:0008289, OMIM 175780.
Inborn genetic diseases. Identifiers: MedGen C0950123, MeSH D030342.

Allele frequency attached by ClinVar (database versions not stated): gnomAD exomes below 0.00001 and 0.00001; ExAC 0.00001.
gnomAD v4.1: 11 of 1,614,164 alleles (0.00068%); highest among the groups gnomAD compares: Non-Finnish European, 0.00068%; no homozygotes.

Submissions (4):

Ambry Genetics
Classification: Uncertain significance for Inborn genetic diseases. Last evaluated: 2026-05-20. Review status: criteria provided, single submitter. Criteria: Ambry Variant Classification Scheme 2023. Collection method: clinical testing. Allele origin: germline.
Comment: The c.2594A>G (p.Q865R) alteration is located in exon 32 (coding exon 32) of the COL4A1 gene. This alteration results from a A to G substitution at nucleotide position 2594, causing the glutamine (Q) at amino acid position 865 to be replaced by an arginine (R). Based on data from gnomAD, the G allele has an overall frequency of <0.001% (1/251464) total alleles studied. The highest observed frequency was 0.001% (1/113762) of European (non-Finnish) alleles. Based on insufficient or conflicting evidence, the clinical significance of this alteration remains unclear.

Fulgent Genetics
Classification: Uncertain significance for Brain small vessel disease 1 with or without ocular anomalies; Retinal arterial tortuosity; Autosomal dominant familial hematuria-retinal arteriolar tortuosity-contractures syndrome; Hemorrhage, intracerebral, susceptibility to; Microangiopathy and leukoencephalopathy, pontine, autosomal dominant. Last evaluated: 2022-01-10. Review status: criteria provided, single submitter. Criteria: ACMG Guidelines, 2015. Collection method: clinical testing. Allele origin: unknown.

Illumina Laboratory Services, Illumina
Classification: Uncertain significance for Brain small vessel disease 1 with or without ocular anomalies. Last evaluated: 2018-01-13. Review status: criteria provided, single submitter. Criteria: ICSL Variant Classification Criteria 13 December 2019. Collection method: clinical testing. Allele origin: germline.

Illumina Laboratory Services, Illumina
Classification: Uncertain significance for Autosomal dominant familial hematuria-retinal arteriolar tortuosity-contractures syndrome. Last evaluated: 2018-01-13. Review status: criteria provided, single submitter. Criteria: ICSL Variant Classification Criteria 13 December 2019. Collection method: clinical testing. Allele origin: germline.